The following is an entry in ClinVar:

ClinVar aggregate classification (germline): Pathogenic. Review status: criteria provided, multiple submitters, no conflicts (2 of 4 stars). 2 submissions from 2 submitters: Pathogenic (2). Last evaluated 2025-05-25.

Conditions:
Cardiovascular phenotype. Identifiers: MedGen CN230736.
Hypertrophic cardiomyopathy. Also called: HYPERTROPHIC MYOCARDIOPATHY. Identifiers: Orphanet 217569, MedGen C0007194, MeSH D002312, MONDO:0005045, HP:0001639.

Submissions (2):

Ambry Genetics
Classification: Pathogenic for Cardiovascular phenotype. Last evaluated: 2025-05-25. Review status: criteria provided, single submitter. Criteria: Ambry Variant Classification Scheme 2023. Collection method: clinical testing. Allele origin: germline.
Comment: The c.1419delT pathogenic mutation, located in coding exon 16 of the MYBPC3 gene, results from a deletion of one nucleotide at nucleotide position 1419, causing a translational frameshift with a predicted alternate stop codon (p.F473Lfs*15). This variant is considered to be rare based on population cohorts in the Genome Aggregation Database (gnomAD). This alteration is expected to result in loss of function by premature protein truncation or nonsense-mediated mRNA decay. As such, this alteration is interpreted as a disease-causing mutation.

Labcorp Genetics (formerly Invitae), Labcorp
Classification: Pathogenic for Hypertrophic cardiomyopathy. Last evaluated: 2024-09-26. Review status: criteria provided, single submitter. Criteria: Invitae Variant Classification Sherloc (09022015). Collection method: clinical testing. Allele origin: germline.
Comment: This sequence change creates a premature translational stop signal (p.Phe473Leufs*15) in the MYBPC3 gene. It is expected to result in an absent or disrupted protein product. Loss-of-function variants in MYBPC3 are known to be pathogenic (PMID: 19574547). This variant is not present in population databases (gnomAD no frequency). This variant has not been reported in the literature in individuals affected with MYBPC3-related conditions. For these reasons, this variant has been classified as Pathogenic.

Literature cited by the submitters: PubMed 19574547 (cited by Labcorp Genetics (formerly Invitae), Labcorp).

NM_000256.3(MYBPC3):c.1419del (p.Phe473fs)

Gene: MYBPC3 (myosin binding protein C3; minus strand). Cytogenetic location: 11p11.2.
Variant type: Deletion.
Coding change: c.1419del on transcript NM_000256.3 (MANE Select); coding-DNA position 1419, one base deleted (T; older notation c.1419delT).
Protein change: p.Phe473fs; shifts the reading frame from phenylalanine 473.
Molecular consequence: frameshift variant.
Genome position (GRCh38, 1-based): chr11:47,342,868, A deleted on the plus strand (T on the coding strand, the reverse complement: MYBPC3 is on the minus strand); the first of 3 consecutive A bases (chr11:47,342,868-47,342,870); deleting any one gives the same sequence. VCF-style (leftmost placement, unchanged base first): chr11-47342867-CA-C. GRCh37 (hg19) VCF-style: chr11-47364418-CA-C.
Other names: c.1419delT (NM_000256.3); short protein forms F473fs.
Identifiers: ClinVar variation 3721532 (VCV003721532.3).
Genomic context (GRCh38, chr11:47,342,867, plus strand): 5'-TGCCCCGTGCTTCTGGAACTCACCATTTGACTTGCGCCCCCTCCTCCGATACTTCACACT[CA>C]AACTCCACCCGCTGCCCCACCATCACCAGCTGGTCCTCCAAGGGGCGCGTGATGAGCACA-3'